The following is an entry in ClinVar:

ClinVar aggregate classification (germline): Likely pathogenic (1 of 4 stars; one submission).

Conditions:
Familial thoracic aortic aneurysm and aortic dissection (TAAD). Also called: Thoracic aortic aneurysms and dissections. Identifiers: Orphanet 91387, MedGen C4707243, MONDO:0019625.
Marfan syndrome (MFS). Also called: FBN1-Related Marfan Syndrome; Marfan syndrome type 1; Marfan's syndrome; Marfan syndrome, classic; MARFAN SYNDROME, TYPE I. Identifiers: Orphanet 284963, Orphanet 558, MedGen C0024796, MONDO:0007947, OMIM 154700.

Allele frequency attached by ClinVar (database versions not stated): gnomAD exomes below 0.00001.
gnomAD v4.1: 1 of 1,613,786 alleles (0.000062%); highest among the groups gnomAD compares: Non-Finnish European, 0.000085%; no homozygotes.

Submission:

Labcorp Genetics (formerly Invitae), Labcorp
Classification: Likely pathogenic for Marfan syndrome; Familial thoracic aortic aneurysm and aortic dissection. Last evaluated: 2024-05-02. Review status: criteria provided, single submitter. Criteria: Invitae Variant Classification Sherloc (09022015). Collection method: clinical testing. Allele origin: germline.
Comment: This sequence change replaces methionine, which is neutral and non-polar, with threonine, which is neutral and polar, at codon 2864 of the FBN1 protein (p.Met2864Thr). This variant is not present in population databases (gnomAD no frequency). This missense change has been observed in individual(s) with clinical features of Marfan syndrome and/or thoracic aortic aneurysm and dissection (PMID: 34498425; Invitae). ClinVar contains an entry for this variant (Variation ID: 662665). Advanced modeling of protein sequence and biophysical properties (such as structural, functional, and spatial information, amino acid conservation, physicochemical variation, residue mobility, and thermodynamic stability) has been performed at Invitae for this missense variant, however the output from this modeling did not meet the statistical confidence thresholds required to predict the impact of this variant on FBN1 protein function. This variant disrupts the p.Met2864 amino acid residue in FBN1. Other variant(s) that disrupt this residue have been determined to be pathogenic (Invitae). This suggests that this residue is clinically significant, and that variants that disrupt this residue are likely to be disease-causing. In summary, the currently available evidence indicates that the variant is pathogenic, but additional data are needed to prove that conclusively. Therefore, this variant has been classified as Likely Pathogenic.

Literature cited by the submitters: PubMed 34498425.

NM_000138.5(FBN1):c.8591T>C (p.Met2864Thr)

Gene: FBN1 (fibrillin 1; minus strand). Cytogenetic location: 15q21.1.
Variant type: single nucleotide variant.
Coding change: c.8591T>C on transcript NM_000138.5 (MANE Select); coding-DNA position 8591, T replaced by C.
Protein change: p.Met2864Thr; replaces methionine 2864 with threonine.
Molecular consequence: missense variant.
Genome position (GRCh38, 1-based): chr15:48,411,015, A>G on the plus strand (T>C on the coding strand, the complement: FBN1 is on the minus strand). VCF-style: chr15-48411015-A-G. GRCh37 (hg19) VCF-style: chr15-48703212-A-G.
Other names: short protein forms M2864T.
Identifiers: ClinVar variation 662665 (VCV000662665.8), dbSNP rs1060501028, ClinGen allele CA392318437.